The following is an entry in ClinVar:

NM_007254.4(PNKP):c.357G>A (p.Pro119=)

Gene: PNKP (polynucleotide kinase 3'-phosphatase; minus strand). Cytogenetic location: 19q13.33.
Variant type: single nucleotide variant.
Coding change: c.357G>A on transcript NM_007254.4 (MANE Select); coding-DNA position 357, G replaced by A.
Protein change: p.Pro119=; no amino-acid change (proline 119 retained).
Molecular consequence: synonymous variant.
Genome position (GRCh38, 1-based): chr19:49,865,268, C>T on the plus strand (G>A on the coding strand, the complement: PNKP is on the minus strand). VCF-style: chr19-49865268-C-T. GRCh37 (hg19) VCF-style: chr19-50368525-C-T.
Identifiers: ClinVar variation 387857 (VCV000387857.7), dbSNP rs766826936, ClinGen allele CA9586965.

ClinVar aggregate classification (germline): Likely benign. Review status: criteria provided, multiple submitters, no conflicts (2 of 4 stars). 3 submissions from 3 submitters: Likely benign (3). Last evaluated 2025-12-10.

Conditions:
Developmental and epileptic encephalopathy, 12 (DEE12). Identifiers: MedGen C3150988, MONDO:0013389, OMIM 613722.

Allele frequency attached by ClinVar (database versions not stated): gnomAD exomes 0.00001; ExAC 0.00002; gnomAD 0.00002 and 0.00003; TOPMed 0.00003.
gnomAD v4.1: 23 of 1,614,088 alleles (0.0014%); highest among the groups gnomAD compares: East Asian, 0.029%; no homozygotes.

Submissions (3):

Labcorp Genetics (formerly Invitae), Labcorp
Classification: Likely benign for Developmental and epileptic encephalopathy, 12. Last evaluated: 2025-12-10. Review status: criteria provided, single submitter. Criteria: Invitae Variant Classification Sherloc (09022015). Collection method: clinical testing. Allele origin: germline.

Blueprint Genetics
Classification: Likely benign. Last evaluated: 2023-06-15. Review status: criteria provided, single submitter. Criteria: ACMG Guidelines, 2015. Collection method: clinical testing. Allele origin: germline.

GeneDx
Classification: Likely benign. Last evaluated: 2017-09-19. Review status: criteria provided, single submitter. Criteria: GeneDx Variant Classification (06012015). Collection method: clinical testing. Allele origin: germline. Affected: yes.
Comment: This variant is considered likely benign or benign based on one or more of the following criteria: it is a conservative change, it occurs at a poorly conserved position in the protein, it is predicted to be benign by multiple in silico algorithms, and/or has population frequency not consistent with disease.